The following is an entry in ClinVar:

ClinVar aggregate classification (germline): Uncertain significance (1 of 4 stars; one submission).

Conditions:
Immunodeficiency 104. Also called: IMMUNODEFICIENCY 104, SEVERE COMBINED; Severe Combined Immune Deficiency, Autosomal Recessive, TCell -Negative, B Cell-Positive, NK Cell-Positive, IL7R-Related; Severe combined immunodeficiency, autosomal recessive, T cell-negative, B cell-positive, NK cell-positive; SCID, AUTOSOMAL RECESSIVE, T CELL-NEGATIVE, B CELL-POSITIVE, NK CELL-POSITIVE. Identifiers: MedGen C5676890, MONDO:0012163, OMIM 608971.

gnomAD v4.1: 30 of 1,613,360 alleles (0.0019%); highest among the groups gnomAD compares: African/African-American, 0.036%; no homozygotes.

Submission:

Labcorp Genetics (formerly Invitae), Labcorp
Classification: Uncertain significance for Immunodeficiency 104. Last evaluated: 2024-03-12. Review status: criteria provided, single submitter. Criteria: Invitae Variant Classification Sherloc (09022015). Collection method: clinical testing. Allele origin: germline.
Comment: This sequence change replaces aspartic acid, which is acidic and polar, with asparagine, which is neutral and polar, at codon 1249 of the PTPRC protein (p.Asp1249Asn). This variant is present in population databases (rs374678525, gnomAD 0.03%). This variant has not been reported in the literature in individuals affected with PTPRC-related conditions. An algorithm developed to predict the effect of missense changes on protein structure and function (PolyPhen-2) suggests that this variant is likely to be disruptive. In summary, the available evidence is currently insufficient to determine the role of this variant in disease. Therefore, it has been classified as a Variant of Uncertain Significance.

NM_002838.5(PTPRC):c.3745G>A (p.Asp1249Asn)

Gene: PTPRC (protein tyrosine phosphatase receptor type C; plus strand). Cytogenetic location: 1q32.1.
Variant type: single nucleotide variant.
Coding change: c.3745G>A on transcript NM_002838.5 (MANE Select); coding-DNA position 3745, G replaced by A.
Protein change: p.Asp1249Asn; replaces aspartic acid 1249 with asparagine.
Molecular consequence: missense variant.
Genome position (GRCh38, 1-based): chr1:198,756,005, G>A. VCF-style: chr1-198756005-G-A. GRCh37 (hg19) VCF-style: chr1-198725134-G-A.
Other names: c.3262G>A, p.Asp1088Asn (NM_080921.4); short protein forms D1088N, D1249N.
Identifiers: ClinVar variation 3704047 (VCV003704047.2).